The following is an entry in ClinVar:

NC_000010.10:g.(?_50856533)_(50857702_?)del

Gene: CHAT (choline O-acetyltransferase; plus strand). Cytogenetic location: 10q11.23.
Variant type: Deletion.
Identifiers: ClinVar variation 2426565 (VCV002426565.4).

ClinVar aggregate classification (germline): Pathogenic (1 of 4 stars; one submission).

Conditions:
Familial infantile myasthenia (CMS6). Also called: MYASTHENIC SYNDROME, PRESYNAPTIC, CONGENITAL, ASSOCIATED WITH EPISODIC APNEA; MYASTHENIC SYNDROME, CONGENITAL, 6, PRESYNAPTIC; Congenital myasthenic syndrome type 6. Identifiers: Orphanet 590, MedGen C0393929, MONDO:0009689, OMIM 254210.

Submission:

Labcorp Genetics (formerly Invitae), Labcorp
Classification: Pathogenic for Familial infantile myasthenia. Last evaluated: 2022-06-13. Review status: criteria provided, single submitter. Criteria: Invitae Variant Classification Sherloc (09022015). Collection method: clinical testing. Allele origin: germline.
Comment: For these reasons, this variant has been classified as Pathogenic. This variant has not been reported in the literature in individuals affected with CHAT-related conditions. This variant is a gross deletion of the genomic region encompassing exon(s) 9-10 of the CHAT gene. This deletion is out-of-frame, and is expected to create a premature termination codon and result in an absent or disrupted protein product. Loss-of-function variants in CHAT are known to be pathogenic (PMID: 12548525, 21786365, 23292760).

Literature cited by the submitters: PubMed 12548525; PubMed 21786365; PubMed 23292760.